The following is an entry in ClinVar:

ClinVar aggregate classification (germline): Likely benign (1 of 4 stars; one submission).

Allele frequency attached by ClinVar (database versions not stated): 1000 Genomes Project 0.00559; TOPMed 0.01039; gnomAD 0.01159 and 0.01190.
gnomAD v4.1: 1,749 of 152,258 alleles (1.1%); highest among the groups gnomAD compares: Non-Finnish European, 1.6%; 13 homozygotes.

Submission:

GeneDx
Classification: Likely benign. Last evaluated: 2018-06-19. Review status: criteria provided, single submitter. Criteria: GeneDx Variant Classification (06012015). Collection method: clinical testing. Allele origin: germline. Affected: yes.
Comment: This variant is considered likely benign or benign based on one or more of the following criteria: it is a conservative change, it occurs at a poorly conserved position in the protein, it is predicted to be benign by multiple in silico algorithms, and/or has population frequency not consistent with disease.

NM_014244.5(ADAMTS2):c.689-248A>G

Gene: ADAMTS2 (ADAM metallopeptidase with thrombospondin type 1 motif 2; minus strand). Cytogenetic location: 5q35.3.
Variant type: single nucleotide variant.
Coding change: c.689-248A>G on transcript NM_014244.5 (MANE Select); 248 bases into the intron before coding-DNA position 689, A replaced by G.
Molecular consequence: intron variant.
Genome position (GRCh38, 1-based): chr5:179,207,963, T>C on the plus strand (A>G on the coding strand, the complement: ADAMTS2 is on the minus strand). VCF-style: chr5-179207963-T-C. GRCh37 (hg19) VCF-style: chr5-178634964-T-C.
Other names: c.689-248A>G (NM_021599.4).
Identifiers: ClinVar variation 679053 (VCV000679053.1), dbSNP rs141834320, ClinGen allele CA133050322.